The following is an entry in ClinVar:

Conditions:
Breast-ovarian cancer, familial, susceptibility to, 1 (BROVCA1). Also called: BRCA1 Hereditary Breast and Ovarian Cancer; OVARIAN CANCER, SUSCEPTIBILITY TO. Identifiers: Orphanet 145, MedGen C2676676, MONDO:0011450, OMIM 604370. Disease mechanism: loss of function.

Submission:

Brotman Baty Institute, University of Washington
No classification provided (evidence only). Condition: Breast-ovarian cancer, familial 1. Review status: no classification provided. Collection method: in vitro. Allele origin: not applicable. Functional consequence: functionally_abnormal.
ClinVar note: "not provided" was previously submitted as the classification for the variant. However, the classification appeared to be based only on an observation of functional data so it was converted to no classification on 2025-07-30.

NM_007294.4(BRCA1):c.301+3A>T

Gene: BRCA1 (BRCA1 DNA repair associated; minus strand). Cytogenetic location: 17q21.31.
Variant type: single nucleotide variant.
Coding change: c.301+3A>T on transcript NM_007294.4 (MANE Select); 3 bases into the intron after coding-DNA position 301, A replaced by T.
Molecular consequence: intron variant.
Genome position (GRCh38, 1-based): chr17:43,104,865, T>A on the plus strand (A>T on the coding strand, the complement: BRCA1 is on the minus strand). VCF-style: chr17-43104865-T-A. GRCh37 (hg19) VCF-style: chr17-41256882-T-A.
Other names: c.160+3A>T (NM_001408458.1, NM_001407931.1, NM_001407747.1 and 99 more transcripts); c.-218-10005A>T (NM_001407967.1, NM_001407966.1); c.-81+3A>T (NM_001407959.1, NM_001407962.1, NM_001408512.1 and 4 more transcripts); c.91+3A>T (NM_001407885.1, NM_001407886.1, NM_001407898.1 and 58 more transcripts); c.301+3A>T (NM_001407686.1, NM_001408397.1, NM_001407632.1 and 164 more transcripts); c.169+3A>T (NM_001408451.1); c.223+3A>T (NM_001408475.1, NM_001407875.1, NM_001407659.1 and 21 more transcripts); c.292+12A>T (NM_001408408.1, NM_001407647.1, NM_001407646.1).
Identifiers: ClinVar variation 865381 (VCV000865381.3), dbSNP rs1567810999, ClinGen allele CA916080821.
Genomic context (GRCh38, chr17:43,104,865, plus strand): 5'-GCAAACTTCCTGAGTTTTCATGGACAGCACTTGAGTGTCATTCTTGGGATATTCAACACT[T>A]ACACTCCAAACCTGTGTCAAGCTGAAAAGCACAAATGATTTTCAATAGCTCTTCAACAAG-3'